The following is an entry in ClinVar:

ClinVar aggregate classification (germline): Uncertain significance (1 of 4 stars; one submission).

Submission:

GeneDx
Classification: Uncertain significance. Last evaluated: 2024-01-09. Review status: criteria provided, single submitter. Criteria: GeneDx Variant Classification Process June 2021. Collection method: clinical testing. Allele origin: germline. Affected: yes.
Comment: Has not been previously published as pathogenic or benign to our knowledge; No data available from control populations to assess the frequency of this variant

NM_000146.4(FTL):c.-144A>G

Gene: FTL (ferritin light chain; plus strand). Cytogenetic location: 19q13.33.
Variant type: single nucleotide variant.
Coding change: c.-144A>G on transcript NM_000146.4 (MANE Select); 144 bases upstream of the start codon, A replaced by G.
Molecular consequence: 5 prime UTR variant.
Genome position (GRCh38, 1-based): chr19:48,965,364, A>G. VCF-style: chr19-48965364-A-G. GRCh37 (hg19) VCF-style: chr19-49468621-A-G.
Identifiers: ClinVar variation 3367332 (VCV003367332.1).